The following is an entry in ClinVar:

ClinVar aggregate classification (germline): Benign. Review status: criteria provided, multiple submitters, no conflicts (2 of 4 stars). 8 submissions from 8 submitters: Benign (5). 3 of the submissions do not count toward it. Last evaluated 2026-01-21.

Conditions:
Inherited prion disease. Identifiers: Orphanet 280400, MedGen C5679775, MONDO:0017234.
Huntington disease-like 1 (HDL1). Also called: HUNTINGTON-LIKE NEURODEGENERATIVE DISORDER 1; HUNTINGTON-LIKE NEURODEGENERATIVE DISORDER, AUTOSOMAL DOMINANT; PRION DISEASE, EARLY-ONSET, WITH PROMINENT PSYCHIATRIC FEATURES. Identifiers: Orphanet 157941, MedGen C1864112, MONDO:0011299, OMIM 603218.
Reclassified - variant of unknown significance.

Allele frequency attached by ClinVar (database versions not stated): gnomAD 0.00092 and 0.00308; TOPMed 0.00211; gnomAD exomes 0.00408 and 0.00802; ExAC 0.00873; 1000 Genomes Project 30x 0.01577; 1000 Genomes Project 0.01617.

Submissions (8):

Labcorp Genetics (formerly Invitae), Labcorp
Classification: Benign for Huntington disease-like 1. Last evaluated: 2026-01-21. Review status: criteria provided, single submitter. Criteria: Invitae Variant Classification Sherloc (09022015). Collection method: clinical testing. Allele origin: germline.

Mayo Clinic Laboratories, Mayo Clinic
Classification: Benign. Last evaluated: 2024-10-18. Review status: criteria provided, single submitter. Criteria: ACMG Guidelines, 2015. Collection method: clinical testing. Allele origin: germline. Observed: 3 variant alleles.
Comment: BA1, BP4

ARUP Laboratories, Molecular Genetics and Genomics, ARUP Laboratories
Classification: Benign. Last evaluated: 2022-02-05. Review status: criteria provided, single submitter. Criteria: ARUP Molecular Germline Variant Investigation Process 2021. Collection method: clinical testing. Allele origin: germline.

Illumina Laboratory Services, Illumina
Classification: Benign for Genetic prion diseases. Last evaluated: 2018-03-06. Review status: criteria provided, single submitter. Criteria: ICSL Variant Classification Criteria 13 December 2019. Collection method: clinical testing. Allele origin: germline.
Comment: This variant was observed in the ICSL laboratory as part of a predisposition screen in an ostensibly healthy population. It had not been previously curated by ICSL or reported in the Human Gene Mutation Database (HGMD: prior to June 1st, 2018), and was therefore a candidate for classification through an automated scoring system. Utilizing variant allele frequency, disease prevalence and penetrance estimates, and inheritance mode, an automated score was calculated to assess if this variant is too frequent to cause the disease. Based on the score and internal cut-off values, a variant classified as benign is not then subjected to further curation. The score for this variant resulted in a classification of benign for this disease.

Breakthrough Genomics
Classification: Benign. Review status: criteria provided, single submitter. Criteria: ACMG Guidelines, 2015. Collection method: not provided. Allele origin: germline. Inheritance: Other. Affected: yes.

OMIM
Classification: Uncertain significance for RECLASSIFIED - VARIANT OF UNKNOWN SIGNIFICANCE. Last evaluated: 2012-02-01. Review status: no assertion criteria provided. Collection method: literature only. Allele origin: germline. Not counted in ClinVar's aggregate classification.

Genome Diagnostics Laboratory, Amsterdam University Medical Center
Classification: Likely benign. Review status: no assertion criteria provided. Collection method: clinical testing. Allele origin: germline. Affected: yes. Study: VKGL Data-share Consensus. Not counted in ClinVar's aggregate classification.

Laboratory of Diagnostic Genome Analysis, Leiden University Medical Center (LUMC)
Classification: Likely benign. Review status: no assertion criteria provided. Collection method: clinical testing. Allele origin: germline. Affected: yes. Study: VKGL Data-share Consensus. Not counted in ClinVar's aggregate classification.

Literature cited by the submitters: PubMed 22108575 (cited by OMIM); PubMed 20697057 (cited by OMIM); PubMed 9482303 (cited by OMIM); PubMed 12815603 (cited by OMIM); PubMed 15557533 (cited by OMIM); PubMed 16217673 (cited by OMIM).

NM_000311.5(PRNP):c.655G>A (p.Glu219Lys)

Gene: PRNP (prion protein (Kanno blood group); plus strand). Cytogenetic location: 20p13.
Variant type: single nucleotide variant.
Coding change: c.655G>A on transcript NM_000311.5 (MANE Select); coding-DNA position 655, G replaced by A.
Protein change: p.Glu219Lys; replaces glutamic acid 219 with lysine.
Molecular consequence: missense variant. On other transcripts: 3 prime UTR variant (1).
Genome position (GRCh38, 1-based): chr20:4,699,875, G>A. VCF-style: chr20-4699875-G-A. GRCh37 (hg19) VCF-style: chr20-4680521-G-A.
Other names: c.655G>A, p.Glu219Lys (NM_001080121.3, NM_001080122.3, NM_001080123.3 and 1 more transcripts); c.*344G>A (NM_001271561.3); short protein forms E219K.
Identifiers: ClinVar variation 13409 (VCV000013409.66), dbSNP rs1800014, ClinGen allele CA123094.